The following is an entry in ClinVar:

NM_000128.4(F11):c.408C>A (p.Cys136Ter)

Gene: F11 (coagulation factor XI; plus strand). Cytogenetic location: 4q35.2.
Variant type: single nucleotide variant.
Coding change: c.408C>A on transcript NM_000128.4 (MANE Select); coding-DNA position 408, C replaced by A.
Protein change: p.Cys136Ter; replaces cysteine 136 with a stop codon.
Molecular consequence: nonsense.
Genome position (GRCh38, 1-based): chr4:186,274,198, C>A. VCF-style: chr4-186274198-C-A. GRCh37 (hg19) VCF-style: chr4-187195352-C-A.
Other names: c.408C>A, p.Cys136Ter (NM_001354804.2); short protein forms C136*.
Identifiers: ClinVar variation 188914 (VCV000188914.12), dbSNP rs143648758, ClinGen allele CA199095.

ClinVar aggregate classification (germline): Pathogenic. Review status: criteria provided, multiple submitters, no conflicts (2 of 4 stars). 5 submissions from 5 submitters: Pathogenic (4). 1 of the submissions does not count toward it. Last evaluated 2024-11-03.

Conditions:
F11-related disorder. Also called: F11-related condition.
Plasma factor XI deficiency.
Hereditary factor XI deficiency disease. Also called: Congenital factor XI deficiency; PLASMA THROMBOPLASTIN ANTECEDENT DEFICIENCY; PTA DEFICIENCY; ROSENTHAL SYNDROME. Identifiers: Orphanet 329, MedGen C0015523, MeSH D005173, MONDO:0012897, OMIM 612416.
Abnormal bleeding. Also called: Bleeding diathesis. Identifiers: MedGen C1458140, HP:0001892.

Allele frequency attached by ClinVar (database versions not stated): gnomAD 0.00001; gnomAD exomes 0.00001; ExAC 0.00002; TOPMed 0.00002; ESP Exome Variant Server 0.00008.

Submissions (5):

PreventionGenetics, part of Exact Sciences
Classification: Pathogenic for F11-related condition. Last evaluated: 2024-11-03. Review status: criteria provided, single submitter. Criteria: ACMG Guidelines, 2015. Collection method: clinical testing. Allele origin: germline.
Comment: The F11 c.408C>A variant is predicted to result in premature protein termination (p.Cys136*). This variant has been reported in individuals with Factor XI deficiency (See for example, Rimoldi et al. 2017. PubMed ID: 29178608; Table S3.4, Stefanucci et al. 2023. PubMed ID: 37647632). This variant is reported in 0.0026% of alleles in individuals of European (Non-Finnish) descent in gnomAD. Nonsense variants in F11 are expected to be pathogenic. This variant is interpreted as pathogenic.

Natera, Inc.
Classification: Pathogenic for Plasma factor XI deficiency. Last evaluated: 2024-05-10. Review status: criteria provided, single submitter. Criteria: Natera Variant Classification Schema (03/2026). Collection method: clinical testing. Allele origin: germline.
Comment: The c.408C>A variant in F11 is a nonsense variant predicted to introduce a stop codon at amino acid 136. This variant is expected to result in nonsense mediated decay, truncation, or a dysfunctional protein product. This variant is rare in the general population with a frequency below the threshold expected for the associated phenotype(s). This variant has been observed in one or more individuals affected with the associated recessive disease, as either homozygous or compound heterozygous with a second variant (PMID: 16835901, 29178608, 25817556). Given the available evidence, this variant is classified as Pathogenic.

Labcorp Genetics (formerly Invitae), Labcorp
Classification: Pathogenic. Last evaluated: 2022-02-07. Review status: criteria provided, single submitter. Criteria: Invitae Variant Classification Sherloc (09022015). Collection method: clinical testing. Allele origin: germline.
Comment: This variant is present in population databases (rs143648758, gnomAD 0.003%). This premature translational stop signal has been observed in individual(s) with autosomal recessive factor XI deficiency (PMID: 15531455). For these reasons, this variant has been classified as Pathogenic. ClinVar contains an entry for this variant (Variation ID: 188914). This variant is also known as Cys118stop. This sequence change creates a premature translational stop signal (p.Cys136*) in the F11 gene. It is expected to result in an absent or disrupted protein product. Loss-of-function variants in F11 are known to be pathogenic (PMID: 23929304).

NIHR Bioresource Rare Diseases, University of Cambridge
Classification: Pathogenic for Abnormal bleeding. Last evaluated: 2019-02-01. Review status: criteria provided, single submitter. Criteria: ACMG Guidelines, 2015. Collection method: research. Allele origin: unknown. Affected: yes. Observed: 1 heterozygote. Study: ThromboGenomics.

Counsyl
Classification: Likely pathogenic for Hereditary factor XI deficiency disease. Last evaluated: 2014-08-07. Review status: no assertion criteria provided. Collection method: literature only. Allele origin: unknown. Inheritance: Autosomal recessive inheritance. Not counted in ClinVar's aggregate classification.

Literature cited by the submitters: PubMed 16835901 (cited by Natera, Inc. and Counsyl); PubMed 29178608 (cited by Natera, Inc.); PubMed 25817556 (cited by Natera, Inc.); PubMed 15531455 (cited by Labcorp Genetics (formerly Invitae), Labcorp and Counsyl); PubMed 23929304 (cited by Labcorp Genetics (formerly Invitae), Labcorp); PubMed 31064749 (cited by NIHR Bioresource Rare Diseases, University of Cambridge).